The following is an entry in ClinVar:

ClinVar aggregate classification (germline): Uncertain significance (1 of 4 stars; one submission).

Allele frequency attached by ClinVar (database versions not stated): ExAC 0.00001; gnomAD 0.00001; gnomAD exomes 0.00001; TOPMed 0.00001.
gnomAD v4.1: 17 of 1,614,012 alleles (0.0011%); highest among the groups gnomAD compares: Admixed American, 0.0033%; no homozygotes.

Submission:

Labcorp Genetics (formerly Invitae), Labcorp
Classification: Uncertain significance. Last evaluated: 2024-09-21. Review status: criteria provided, single submitter. Criteria: Invitae Variant Classification Sherloc (09022015). Collection method: clinical testing. Allele origin: germline.
Comment: This sequence change replaces arginine, which is basic and polar, with glycine, which is neutral and non-polar, at codon 774 of the ASXL1 protein (p.Arg774Gly). This variant is present in population databases (rs764604832, gnomAD 0.006%). This variant has not been reported in the literature in individuals affected with ASXL1-related conditions. An algorithm developed to predict the effect of missense changes on protein structure and function (PolyPhen-2) suggests that this variant is likely to be tolerated. In summary, the available evidence is currently insufficient to determine the role of this variant in disease. Therefore, it has been classified as a Variant of Uncertain Significance.

NM_015338.6(ASXL1):c.2320A>G (p.Arg774Gly)

Gene: ASXL1 (ASXL transcriptional regulator 1; plus strand). Cytogenetic location: 20q11.21.
Variant type: single nucleotide variant.
Coding change: c.2320A>G on transcript NM_015338.6 (MANE Select); coding-DNA position 2320, A replaced by G.
Protein change: p.Arg774Gly; replaces arginine 774 with glycine.
Molecular consequence: missense variant.
Genome position (GRCh38, 1-based): chr20:32,435,032, A>G. VCF-style: chr20-32435032-A-G. GRCh37 (hg19) VCF-style: chr20-31022835-A-G.
Other names: c.2137A>G, p.Arg713Gly (NM_001363734.1); short protein forms R713G, R774G.
Identifiers: ClinVar variation 3014160 (VCV003014160.3), dbSNP rs764604832, ClinGen allele CA9808590.